The following is an entry in ClinVar:

NM_001844.5(COL2A1):c.2993C>T (p.Pro998Leu)

Gene: COL2A1 (collagen type II alpha 1 chain; minus strand). Cytogenetic location: 12q13.11.
Variant type: single nucleotide variant.
Coding change: c.2993C>T on transcript NM_001844.5 (MANE Select); coding-DNA position 2993, C replaced by T.
Protein change: p.Pro998Leu; replaces proline 998 with leucine.
Molecular consequence: missense variant.
Genome position (GRCh38, 1-based): chr12:47,978,301, G>A on the plus strand (C>T on the coding strand, the complement: COL2A1 is on the minus strand). VCF-style: chr12-47978301-G-A. GRCh37 (hg19) VCF-style: chr12-48372084-G-A.
Other names: c.2786C>T, p.Pro929Leu (NM_033150.3); c.2993C>T (NM_001844.4); short protein forms P929L, P998L.
Identifiers: ClinVar variation 1509405 (VCV001509405.9), dbSNP rs757449808, ClinGen allele CA6534937.

ClinVar aggregate classification (germline): Uncertain significance. Review status: criteria provided, multiple submitters, no conflicts (2 of 4 stars). 3 submissions from 3 submitters: Uncertain significance (3). Last evaluated 2025-12-18.

Conditions:
Inborn genetic diseases. Identifiers: MedGen C0950123, MeSH D030342.

Allele frequency attached by ClinVar (database versions not stated): gnomAD exomes 0.00001; ExAC 0.00001; gnomAD 0.00001.
gnomAD v4.1: 5 of 1,613,860 alleles (0.00031%); highest among the groups gnomAD compares: Admixed American, 0.0067%; no homozygotes.

Submissions (3):

Labcorp Genetics (formerly Invitae), Labcorp
Classification: Uncertain significance. Last evaluated: 2025-12-18. Review status: criteria provided, single submitter. Criteria: Invitae Variant Classification Sherloc (09022015). Collection method: clinical testing. Allele origin: germline.
Comment: This sequence change replaces proline, which is neutral and non-polar, with leucine, which is neutral and non-polar, at codon 998 of the COL2A1 protein (p.Pro998Leu). This variant is present in population databases (rs757449808, gnomAD 0.006%). This variant has not been reported in the literature in individuals affected with COL2A1-related conditions. ClinVar contains an entry for this variant (Variation ID: 1509405). Invitae Evidence Modeling of protein sequence and biophysical properties (such as structural, functional, and spatial information, amino acid conservation, physicochemical variation, residue mobility, and thermodynamic stability) indicates that this missense variant is expected to disrupt COL2A1 protein function with a positive predictive value of 80%. In summary, the available evidence is currently insufficient to determine the role of this variant in disease. Therefore, it has been classified as a Variant of Uncertain Significance.

Ambry Genetics
Classification: Uncertain significance for Inborn genetic diseases. Last evaluated: 2025-09-22. Review status: criteria provided, single submitter. Criteria: Ambry Variant Classification Scheme 2023. Collection method: clinical testing. Allele origin: germline.

Dasa
Classification: Uncertain significance. Last evaluated: 2025-01-24. Review status: criteria provided, single submitter. Criteria: DASA Assertion Criteria. Collection method: clinical testing. Allele origin: germline.
Comment: NM_001844.5(COL2A1):c.2993C>T (p.Pro998Leu) is a missense variant that results in the substitution of proline with leucine. This variant is rare in population databases. Computational prediction algorithms are consistent with a deleterious effect. The currently available literature and clinical evidence are not sufficient to establish a definitive association between this variant and the reported condition. Therefore, this variant is classified as a variant of uncertain significance.